The following is an entry in ClinVar:

NM_000540.3(RYR1):c.6305del (p.Val2102fs)

Gene: RYR1 (ryanodine receptor 1; plus strand). Cytogenetic location: 19q13.2.
Variant type: Deletion.
Coding change: c.6305del on transcript NM_000540.3 (MANE Select); coding-DNA position 6305, one base deleted (T; older notation c.6305delT).
Protein change: p.Val2102fs; shifts the reading frame from valine 2102.
Molecular consequence: frameshift variant.
Genome position (GRCh38, 1-based): chr19:38,494,382, T deleted. VCF-style (leftmost placement, unchanged base first): chr19-38494381-GT-G. GRCh37 (hg19) VCF-style: chr19-38985021-GT-G.
Other names: c.6305del, p.Val2102fs (NM_001042723.2); short protein forms V2102fs.
Identifiers: ClinVar variation 3385419 (VCV003385419.1).

ClinVar aggregate classification (germline): Uncertain significance (1 of 4 stars; one submission).

Conditions:
Malignant hyperthermia, susceptibility to, 1 (MHS1). Also called: Anesthesia related hyperthermia; Malignant hyperpyrexia; Fulminating hyperpyrexia; Pharmacogenic myopathy; Malignant hyperthermia suceptibility 1; RYR1-Related Malignant Hyperthermia Susceptibility. Identifiers: Orphanet 423, MedGen C2930980, MONDO:0007783, OMIM 145600.

Submission:

All of Us Research Program, National Institutes of Health
Classification: Uncertain significance for Malignant hyperthermia, susceptibility to, 1. Last evaluated: 2024-05-14. Review status: criteria provided, single submitter. Criteria: ACMG Guidelines, 2015. Collection method: clinical testing. Allele origin: germline. Inheritance: Autosomal dominant inheritance. Observed: 1 variant allele, 1 heterozygote.
Comment: This variant deletes 1 nucleotide in exon 39 of the RYR1 gene, creating a frameshift and premature translation stop signal. This variant is expected to result in an absent or non-functional protein product. To our knowledge, this variant has not been reported in individuals affected with RYR1-related disorders in the literature. Loss of RYR1 function due to truncation variants is not an established disease mechanism for autosomal dominant malignant hyperthermia, although it is associated with other phenotype(s). This variant has not been identified in the general population by the Genome Aggregation Database (gnomAD). Due to insufficient evidence, this variant is classified as a Variant of Uncertain Significance for autosomal dominant malignant hyperthermia

This study involves interpretation of variants in research participants for the purpose of population health screening. Participant phenotype was not available at the time of variant classification. Additional details can be found in publication PMID: 35346344, PMCID: PMC8962531